The following is an entry in ClinVar:

NM_002361.4(MAG):c.1297G>A (p.Val433Met)

Gene: MAG (myelin associated glycoprotein; plus strand). Cytogenetic location: 19q13.12.
Variant type: single nucleotide variant.
Coding change: c.1297G>A on transcript NM_002361.4 (MANE Select); coding-DNA position 1297, G replaced by A.
Protein change: p.Val433Met; replaces valine 433 with methionine.
Molecular consequence: missense variant.
Genome position (GRCh38, 1-based): chr19:35,309,939, G>A. VCF-style: chr19-35309939-G-A. GRCh37 (hg19) VCF-style: chr19-35800842-G-A.
Other names: c.1222G>A, p.Val408Met (NM_001199216.2); c.1297G>A, p.Val433Met (NM_080600.3); short protein forms V433M, V408M.
Identifiers: ClinVar variation 2077152 (VCV002077152.1), dbSNP rs146536656, ClinGen allele CA9376238.

ClinVar aggregate classification (germline): Uncertain significance (1 of 4 stars; one submission).

Conditions:
Hereditary spastic paraplegia 75. Also called: Spastic paraplegia 75, autosomal recessive. Identifiers: Orphanet 459056, MedGen C4225250, MONDO:0014729, OMIM 616680.

gnomAD v4.1: 8 of 1,613,836 alleles (0.0005%); highest among the groups gnomAD compares: Admixed American, 0.0017%; no homozygotes.

Submission:

Labcorp Genetics (formerly Invitae), Labcorp
Classification: Uncertain significance for Hereditary spastic paraplegia 75. Last evaluated: 2022-04-20. Review status: criteria provided, single submitter. Criteria: Invitae Variant Classification Sherloc (09022015). Collection method: clinical testing. Allele origin: germline.
Comment: This sequence change replaces valine, which is neutral and non-polar, with methionine, which is neutral and non-polar, at codon 433 of the MAG protein (p.Val433Met). This variant is present in population databases (rs146536656, gnomAD 0.002%). This variant has not been reported in the literature in individuals affected with MAG-related conditions. Algorithms developed to predict the effect of missense changes on protein structure and function are either unavailable or do not agree on the potential impact of this missense change (SIFT: "Deleterious"; PolyPhen-2: "Benign"; Align-GVGD: "Class C0"). In summary, the available evidence is currently insufficient to determine the role of this variant in disease. Therefore, it has been classified as a Variant of Uncertain Significance.